The following is an entry in ClinVar:

NM_000256.3(MYBPC3):c.3293G>A (p.Trp1098Ter)

Gene: MYBPC3 (myosin binding protein C3; minus strand). Cytogenetic location: 11p11.2.
Variant type: single nucleotide variant.
Coding change: c.3293G>A on transcript NM_000256.3 (MANE Select); coding-DNA position 3293, G replaced by A.
Protein change: p.Trp1098Ter; replaces tryptophan 1098 with a stop codon.
Molecular consequence: nonsense.
Genome position (GRCh38, 1-based): chr11:47,333,231, C>T on the plus strand (G>A on the coding strand, the complement: MYBPC3 is on the minus strand). VCF-style: chr11-47333231-C-T. GRCh37 (hg19) VCF-style: chr11-47354782-C-T.
Other names: short protein forms W1098*.
Identifiers: ClinVar variation 42701 (VCV000042701.16), dbSNP rs397516013, ClinGen allele CA013817.
Genomic context (GRCh38, chr11:47,333,231, plus strand): 5'-GGGACCCCAGACCCTGGGCTCACCATGGTCTTCTTGTCGGCTTTCTGCACTGTGTACCCC[C>T]AGAGCTCCGTGTTGCCGACATCCTGGGGTGGCTTCCACTCCAGAGCCACATTAAGACCCC-3'

ClinVar aggregate classification (germline): Pathogenic. Review status: criteria provided, multiple submitters, no conflicts (2 of 4 stars). 4 submissions from 4 submitters: Pathogenic (4). Last evaluated 2025-05-23.

Conditions:
Hypertrophic cardiomyopathy 4. Also called: Familial hypertrophic cardiomyopathy 4. Identifiers: MedGen C1861862, MONDO:0007268, OMIM 115197.
Left ventricular noncompaction 10 (LVNC10). Identifiers: Orphanet 154, Orphanet 54260, MedGen C3715165, MONDO:0014163, OMIM 615396.
Hypertrophic cardiomyopathy. Also called: HYPERTROPHIC MYOCARDIOPATHY. Identifiers: Orphanet 217569, MedGen C0007194, MeSH D002312, MONDO:0005045, HP:0001639.

Submissions (4):

Labcorp Genetics (formerly Invitae), Labcorp
Classification: Pathogenic for Hypertrophic cardiomyopathy. Last evaluated: 2025-05-23. Review status: criteria provided, single submitter. Criteria: Invitae Variant Classification Sherloc (09022015). Collection method: clinical testing. Allele origin: germline.
Comment: This sequence change creates a premature translational stop signal (p.Trp1098*) in the MYBPC3 gene. It is expected to result in an absent or disrupted protein product. Loss-of-function variants in MYBPC3 are known to be pathogenic (PMID: 19574547). This variant is not present in population databases (gnomAD no frequency). This premature translational stop signal has been observed in individual(s) with hypertrophic cardiomyopathy (PMID: 19574547, 20624503, 23233322, 25031304). ClinVar contains an entry for this variant (Variation ID: 42701). For these reasons, this variant has been classified as Pathogenic.

Laboratory for Molecular Medicine, Mass General Brigham Personalized Medicine
Classification: Pathogenic for Hypertrophic cardiomyopathy. Last evaluated: 2011-09-20. Review status: criteria provided, single submitter. Criteria: LMM Criteria. Collection method: clinical testing. Allele origin: germline. Observed: 3 variant alleles.
Comment: This va riant leads to a premature stop at codon 1098 and is predicted to lead to a trun cated or absent protein. Loss of function of the MYBPC3 gene is an established disease mechanism in HCM patients, which makes it highly likely that the Trp1098 X variant is pathogenic.

Center for Genomics, Ann and Robert H. Lurie Children's Hospital of Chicago
Classification: Pathogenic for Hypertrophic cardiomyopathy 4; Left ventricular noncompaction 10. Review status: criteria provided, single submitter. Criteria: ACMG Guidelines, 2015. Collection method: clinical testing. Allele origin: germline.
Comment: MYBPC3 NM_000256.3 exon 29 p.Trp1098* (c.3293G>A): This variant has been reported in the literature in at least 7 individuals with hypertrophic cardiomyopathy (HCM) (Millat 2010 PMID:20624503, Harris 2011 PMID:21415409, Kassem 2012 PMID:23233322, Helms 2014 PMID:25031304). This variant is not present in large control databases but is present in ClinVar (Variation ID:42701). Evolutionary conservation and computational predictive tools for this variant are limited or unavailable. This variant creates a premature stop at this codon which results in an absent or abnormal protein. Loss of function variants are a known mechanism of disease for this gene (Marston 2009 PMID:19574547). In summary, this variant is classified as pathogenic based on the data above.

Molecular Diagnostic Laboratory for Inherited Cardiovascular Disease, Montreal Heart Institute
Classification: Pathogenic. Review status: criteria provided, single submitter. Criteria: ACMG Guidelines, 2015. Collection method: clinical testing. Allele origin: germline. Affected: yes.

Literature cited by the submitters: PubMed 19574547 (cited by Labcorp Genetics (formerly Invitae), Labcorp); PubMed 20624503 (cited by Labcorp Genetics (formerly Invitae), Labcorp and Laboratory for Molecular Medicine, Mass General Brigham Personalized Medicine); PubMed 23233322 (cited by Labcorp Genetics (formerly Invitae), Labcorp); PubMed 25031304 (cited by Labcorp Genetics (formerly Invitae), Labcorp).